The following is an entry in ClinVar:

ClinVar aggregate classification (germline): Uncertain significance (1 of 4 stars; one submission).

Allele frequency attached by ClinVar (database versions not stated): gnomAD exomes below 0.00001.
gnomAD v4.1: 1 of 1,613,988 alleles (0.000062%); highest among the groups gnomAD compares: Admixed American, 0.0017%; no homozygotes.

Submission:

Ambry Genetics
Classification: Uncertain significance. Last evaluated: 2023-09-29. Review status: criteria provided, single submitter. Criteria: Ambry Variant Classification Scheme 2023. Collection method: clinical testing. Allele origin: germline.
Comment: The p.T1144I variant (also known as c.3431C>T), located in coding exon 17 of the NPAT gene, results from a C to T substitution at nucleotide position 3431. The threonine at codon 1144 is replaced by isoleucine, an amino acid with similar properties. This amino acid position is conserved. In addition, this alteration is predicted to be tolerated by in silico analysis. Since supporting evidence is limited at this time, the clinical significance of this alteration remains unclear.

NM_002519.3(NPAT):c.3431C>T (p.Thr1144Ile)

Gene: NPAT (nuclear protein, coactivator of histone transcription; minus strand). Cytogenetic location: 11q22.3.
Variant type: single nucleotide variant.
Coding change: c.3431C>T on transcript NM_002519.3 (MANE Select); coding-DNA position 3431, C replaced by T.
Protein change: p.Thr1144Ile; replaces threonine 1144 with isoleucine.
Molecular consequence: missense variant.
Genome position (GRCh38, 1-based): chr11:108,161,655, G>A on the plus strand (C>T on the coding strand, the complement: NPAT is on the minus strand). VCF-style: chr11-108161655-G-A. GRCh37 (hg19) VCF-style: chr11-108032382-G-A.
Other names: c.3452C>T, p.Thr1151Ile (NM_001321307.1); short protein forms T1144I, T1151I.
Identifiers: ClinVar variation 3222592 (VCV003222592.1), dbSNP rs1489662643, ClinGen allele CA382510826.